The following is an entry in ClinVar:

ClinVar aggregate classification (germline): Uncertain significance (1 of 4 stars; one submission).

Conditions:
Hereditary cancer-predisposing syndrome. Also called: Neoplastic Syndromes, Hereditary; Tumor predisposition; Hereditary Cancer Syndrome; Hereditary neoplastic syndrome. Identifiers: Orphanet 140162, MedGen C0027672, MeSH D009386, MONDO:0015356.

Submission:

Ambry Genetics
Classification: Uncertain significance for Hereditary cancer-predisposing syndrome. Last evaluated: 2023-03-15. Review status: criteria provided, single submitter. Criteria: Ambry Variant Classification Scheme 2023. Collection method: clinical testing. Allele origin: germline.
Comment: The p.K870T variant (also known as c.2609A>C), located in coding exon 16 of the CDH1 gene, results from an A to C substitution at nucleotide position 2609. The lysine at codon 870 is replaced by threonine, an amino acid with similar properties. This amino acid position is well conserved in available vertebrate species. In addition, the in silico prediction for this alteration is inconclusive. Since supporting evidence is limited at this time, the clinical significance of this alteration remains unclear.

NM_004360.5(CDH1):c.2609A>C (p.Lys870Thr)

Gene: CDH1 (cadherin 1; plus strand). Cytogenetic location: 16q22.1.
Variant type: single nucleotide variant.
Coding change: c.2609A>C on transcript NM_004360.5 (MANE Select); coding-DNA position 2609, A replaced by C.
Protein change: p.Lys870Thr; replaces lysine 870 with threonine.
Molecular consequence: missense variant.
Genome position (GRCh38, 1-based): chr16:68,833,459, A>C. VCF-style: chr16-68833459-A-C. GRCh37 (hg19) VCF-style: chr16-68867362-A-C.
Other names: c.2609A>C (LRG_301t1); c.2426A>C, p.Lys809Thr (NM_001317184.2); c.1061A>C, p.Lys354Thr (NM_001317185.2); c.644A>C, p.Lys215Thr (NM_001317186.2); short protein forms K870T, K809T, K354T, K215T.
Identifiers: ClinVar variation 483265 (VCV000483265.6), dbSNP rs781274240, ClinGen allele CA396472724.